The following is an entry in ClinVar:

NM_005566.4(LDHA):c.298C>T (p.Gln100Ter)

Gene: LDHA (lactate dehydrogenase A; plus strand). Cytogenetic location: 11p15.1.
Variant type: single nucleotide variant.
Coding change: c.298C>T on transcript NM_005566.4 (MANE Select); coding-DNA position 298, C replaced by T.
Protein change: p.Gln100Ter; replaces glutamine 100 with a stop codon.
Molecular consequence: nonsense. On other transcripts: non-coding transcript variant (1), intron variant (1).
Genome position (GRCh38, 1-based): chr11:18,400,890, C>T. VCF-style: chr11-18400890-C-T. GRCh37 (hg19) VCF-style: chr11-18422437-C-T.
Other names: c.298C>T, p.Gln100Ter (NM_001165416.2, NM_001165415.2); c.244+1342C>T (NM_001135239.2); c.385C>T, p.Gln129Ter (NM_001165414.2); short protein forms Q129*, Q100*.
Identifiers: ClinVar variation 4715484 (VCV004715484.1).

ClinVar aggregate classification (germline): Pathogenic (1 of 4 stars; one submission).

Conditions:
Glycogen storage disease due to lactate dehydrogenase M-subunit deficiency (GSD11). Also called: Glycogen storage disease XI; GSD XI; LACTATE DEHYDROGENASE A DEFICIENCY. Identifiers: Orphanet 284426, MedGen C2931743, MONDO:0013047, OMIM 612933.

Submission:

Labcorp Genetics (formerly Invitae), Labcorp
Classification: Pathogenic for Glycogen storage disease due to lactate dehydrogenase M-subunit deficiency. Last evaluated: 2025-03-24. Review status: criteria provided, single submitter. Criteria: Invitae Variant Classification Sherloc (09022015). Collection method: clinical testing. Allele origin: germline.
Comment: This sequence change creates a premature translational stop signal (p.Gln100*) in the LDHA gene. It is expected to result in an absent or disrupted protein product. Loss-of-function variants in LDHA are known to be pathogenic (PMID: 1959923). This variant is not present in population databases (gnomAD no frequency). This variant has not been reported in the literature in individuals affected with LDHA-related conditions. Algorithms developed to predict the effect of sequence changes on RNA splicing suggest that this variant may disrupt the consensus splice site. For these reasons, this variant has been classified as Pathogenic.

Literature cited by the submitters: PubMed 1959923.